The following is an entry in ClinVar:

NM_032620.4(GTPBP3):c.74G>T (p.Ser25Ile)

Gene: GTPBP3 (GTP binding protein 3, mitochondrial; plus strand). Cytogenetic location: 19p13.11.
Variant type: single nucleotide variant.
Coding change: c.74G>T on transcript NM_032620.4 (MANE Select); coding-DNA position 74, G replaced by T.
Protein change: p.Ser25Ile; replaces serine 25 with isoleucine.
Molecular consequence: missense variant.
Genome position (GRCh38, 1-based): chr19:17,338,028, G>T. VCF-style: chr19-17338028-G-T. GRCh37 (hg19) VCF-style: chr19-17448837-G-T.
Other names: c.74G>T, p.Ser25Ile (NM_001128855.3, NM_133644.4); c.140G>T, p.Ser47Ile (NM_001195422.1); short protein forms S25I, S47I.
Identifiers: ClinVar variation 1473774 (VCV001473774.6), dbSNP rs2145699710, ClinGen allele CA404731464.

ClinVar aggregate classification (germline): Uncertain significance (1 of 4 stars; one submission).

Submission:

Labcorp Genetics (formerly Invitae), Labcorp
Classification: Uncertain significance. Last evaluated: 2024-01-24. Review status: criteria provided, single submitter. Criteria: Invitae Variant Classification Sherloc (09022015). Collection method: clinical testing. Allele origin: germline.
Comment: This sequence change replaces serine, which is neutral and polar, with isoleucine, which is neutral and non-polar, at codon 25 of the GTPBP3 protein (p.Ser25Ile). This variant is not present in population databases (gnomAD no frequency). This variant has not been reported in the literature in individuals affected with GTPBP3-related conditions. ClinVar contains an entry for this variant (Variation ID: 1473774). An algorithm developed to predict the effect of missense changes on protein structure and function (PolyPhen-2) suggests that this variant is likely to be disruptive. In summary, the available evidence is currently insufficient to determine the role of this variant in disease. Therefore, it has been classified as a Variant of Uncertain Significance.